The following is an entry in ClinVar:

ClinVar aggregate classification (germline): Uncertain significance (1 of 4 stars; one submission).

Conditions:
Early Myoclonic Encephalopathy. Identifiers: MedGen C0270855.

Submission:

Labcorp Genetics (formerly Invitae), Labcorp
Classification: Uncertain significance for Early Myoclonic Encephalopathy. Last evaluated: 2024-06-04. Review status: criteria provided, single submitter. Criteria: Invitae Variant Classification Sherloc (09022015). Collection method: clinical testing. Allele origin: germline.
Comment: This sequence change replaces arginine, which is basic and polar, with proline, which is neutral and non-polar, at codon 1328 of the JMJD1C protein (p.Arg1328Pro). This variant is not present in population databases (gnomAD no frequency). This variant has not been reported in the literature in individuals affected with JMJD1C-related conditions. Experimental studies and prediction algorithms are not available or were not evaluated, and the functional significance of this variant is currently unknown. In summary, the available evidence is currently insufficient to determine the role of this variant in disease. Therefore, it has been classified as a Variant of Uncertain Significance.

NM_032776.3(JMJD1C):c.3983_3984delinsCA (p.Arg1328Pro)

Gene: JMJD1C (jumonji domain containing 1C; minus strand). Cytogenetic location: 10q21.3.
Variant type: Indel.
Coding change: c.3983_3984delinsCA on transcript NM_032776.3 (MANE Select); coding-DNA positions 3983 to 3984, GT replaced by CA.
Protein change: p.Arg1328Pro; replaces arginine 1328 with proline.
Molecular consequence: missense variant. On other transcripts: non-coding transcript variant (1).
Genome position (GRCh38, 1-based): chr10:63,207,685-63,207,686, AC replaced by TG on the plus strand (GT replaced by CA on the coding strand, the reverse complement: JMJD1C is on the minus strand). VCF-style: chr10-63207685-AC-TG. GRCh37 (hg19) VCF-style: chr10-64967445-AC-TG.
Other names: c.3437_3438delinsCA, p.Arg1146Pro (NM_001282948.2, NM_001318154.2); c.3119_3120delinsCA, p.Arg1040Pro (NM_001318153.2); c.3869_3870delinsCA, p.Arg1290Pro (NM_001322252.2); c.3326_3327delinsCA, p.Arg1109Pro (NM_001322254.2, NM_001322258.2); short protein forms R1040P, R1109P, R1146P, R1290P, R1328P.
Identifiers: ClinVar variation 3616018 (VCV003616018.2).